The following is an entry in ClinVar:

NM_016492.5(RANGRF):c.194+6G>A

Genes: RANGRF (RAN guanine nucleotide release factor; plus strand), SLC25A35 (solute carrier family 25 member 35; minus strand). Cytogenetic location: 17p13.1.
Variant type: single nucleotide variant.
Coding change: c.194+6G>A on transcript NM_016492.5 (MANE Select); 6 bases into the intron after coding-DNA position 194, G replaced by A.
Molecular consequence: intron variant. On other transcripts: 3 prime UTR variant (2), non-coding transcript variant (2).
Genome position (GRCh38, 1-based): chr17:8,289,078, G>A. VCF-style: chr17-8289078-G-A. GRCh37 (hg19) VCF-style: chr17-8192396-G-A.
Other names: c.*405C>T (NM_001320872.2); c.*538C>T (NM_201520.3); c.*42+496C>T (NM_001320871.2); c.194+6G>A (NM_001177802.2, NM_001177801.2, NM_001330127.2).
Identifiers: ClinVar variation 4738294 (VCV004738294.1).

ClinVar aggregate classification (germline): Uncertain significance (1 of 4 stars; one submission).

Conditions:
Cardiac arrhythmia. Also called: Arrhythmia; Cardiac rhythm disease. Identifiers: MedGen C0003811, MONDO:0007263, HP:0011675.

gnomAD v4.1: 25 of 1,613,118 alleles (0.0015%); highest among the groups gnomAD compares: Non-Finnish European, 0.002%; no homozygotes.

Submission:

Labcorp Genetics (formerly Invitae), Labcorp
Classification: Uncertain significance for Cardiac arrhythmia. Last evaluated: 2025-11-26. Review status: criteria provided, single submitter. Criteria: Invitae Variant Classification Sherloc (09022015). Collection method: clinical testing. Allele origin: germline.
Comment: This sequence change falls in intron 2 of the RANGRF gene. It does not directly change the encoded amino acid sequence of the RANGRF protein. It affects a nucleotide within the consensus splice site. This variant is present in population databases (rs762656956, gnomAD 0.003%). This variant has not been reported in the literature in individuals affected with RANGRF-related conditions. Variants that disrupt the consensus splice site are a relatively common cause of aberrant splicing (PMID: 17576681, 9536098). Algorithms developed to predict the effect of sequence changes on RNA splicing suggest that this variant is not likely to affect RNA splicing. In summary, the available evidence is currently insufficient to determine the role of this variant in disease. Therefore, it has been classified as a Variant of Uncertain Significance.

Literature cited by the submitters: PubMed 17576681; PubMed 9536098.